The following is an entry in ClinVar:

NM_002069.6(GNAI1):c.820T>A (p.Phe274Ile)

Gene: GNAI1 (G protein subunit alpha i1; plus strand). Cytogenetic location: 7q21.11.
Variant type: single nucleotide variant.
Coding change: c.820T>A on transcript NM_002069.6 (MANE Select); coding-DNA position 820, T replaced by A.
Protein change: p.Phe274Ile; replaces phenylalanine 274 with isoleucine.
Molecular consequence: missense variant.
Genome position (GRCh38, 1-based): chr7:80,212,815, T>A. VCF-style: chr7-80212815-T-A. GRCh37 (hg19) VCF-style: chr7-79842131-T-A.
Other names: c.664T>A, p.Phe222Ile (NM_001256414.2); short protein forms F222I, F274I.
Identifiers: ClinVar variation 3357911 (VCV003357911.1).

ClinVar aggregate classification (germline): Uncertain significance (0 of 4 stars; one submission).

Conditions:
GNAI1-related disorder.

gnomAD v4.1: 2 of 1,582,596 alleles (0.00013%); highest among the groups gnomAD compares: East Asian, 0.0046%; no homozygotes.

Submission:

PreventionGenetics, part of Exact Sciences
Classification: Uncertain significance for GNAI1-related condition. Last evaluated: 2024-04-16. Review status: no assertion criteria provided. Collection method: clinical testing. Allele origin: germline.
Comment: The GNAI1 c.820T>A variant is predicted to result in the amino acid substitution p.Phe274Ile. To our knowledge, this variant has not been reported in the literature. This variant is reported in 0.0060% of alleles in individuals of East Asian descent in gnomAD. At this time, the clinical significance of this variant is uncertain due to the absence of conclusive functional and genetic evidence.